The following is an entry in ClinVar:

NM_032603.5(LOXL3):c.1550G>A (p.Arg517His)

Gene: LOXL3 (lysyl oxidase like 3; minus strand). Cytogenetic location: 2p13.1.
Variant type: single nucleotide variant.
Coding change: c.1550G>A on transcript NM_032603.5 (MANE Select); coding-DNA position 1550, G replaced by A.
Protein change: p.Arg517His; replaces arginine 517 with histidine.
Molecular consequence: missense variant.
Genome position (GRCh38, 1-based): chr2:74,535,321, C>T on the plus strand (G>A on the coding strand, the complement: LOXL3 is on the minus strand). VCF-style: chr2-74535321-C-T. GRCh37 (hg19) VCF-style: chr2-74762448-C-T.
Other names: c.1115G>A, p.Arg372His (NM_001289164.3); c.467G>A, p.Arg156His (NM_001289165.2); short protein forms R372H, R156H, R517H.
Identifiers: ClinVar variation 2155221 (VCV002155221.2), dbSNP rs758529496, ClinGen allele CA1728865.

ClinVar aggregate classification (germline): Uncertain significance (1 of 4 stars; one submission).

Allele frequency attached by ClinVar (database versions not stated): gnomAD 0.00001; TOPMed 0.00001.
gnomAD v4.1: 12 of 1,613,806 alleles (0.00074%); highest among the groups gnomAD compares: Admixed American, 0.005%; no homozygotes.

Submission:

Labcorp Genetics (formerly Invitae), Labcorp
Classification: Uncertain significance. Last evaluated: 2022-04-16. Review status: criteria provided, single submitter. Criteria: Invitae Variant Classification Sherloc (09022015). Collection method: clinical testing. Allele origin: germline.
Comment: This sequence change replaces arginine, which is basic and polar, with histidine, which is basic and polar, at codon 517 of the LOXL3 protein (p.Arg517His). This variant is present in population databases (rs758529496, gnomAD 0.003%). This variant has not been reported in the literature in individuals affected with LOXL3-related conditions. Algorithms developed to predict the effect of missense changes on protein structure and function output the following: SIFT: "Tolerated"; PolyPhen-2: "Benign"; Align-GVGD: "Class C0". The histidine amino acid residue is found in multiple mammalian species, which suggests that this missense change does not adversely affect protein function. In summary, the available evidence is currently insufficient to determine the role of this variant in disease. Therefore, it has been classified as a Variant of Uncertain Significance.